The following is an entry in ClinVar:

ClinVar aggregate classification (germline): Conflicting classifications of pathogenicity. Review status: criteria provided, conflicting classifications (1 of 4 stars). 5 submissions from 4 submitters: Uncertain significance (2); Likely benign (3). Last evaluated 2025-07-10.

Conditions:
Lethal Kniest-like syndrome (DDSH). Also called: Dyssegmental Dysplasia. Identifiers: Orphanet 1865, MedGen C1857100, MONDO:0009140, OMIM 224410.
Schwartz-Jampel syndrome. Also called: Myotonic myopathy dwarfism chondrodystrophy and ocular and facial abnormalities. Identifiers: Orphanet 800, MedGen C0036391, MONDO:0009717.

Allele frequency attached by ClinVar (database versions not stated): ExAC 0.00005; gnomAD 0.00013; ESP Exome Variant Server 0.00015.

Submissions (5):

Labcorp Genetics (formerly Invitae), Labcorp
Classification: Likely benign. Last evaluated: 2025-07-10. Review status: criteria provided, single submitter. Criteria: Invitae Variant Classification Sherloc (09022015). Collection method: clinical testing. Allele origin: germline.

CeGaT Center for Human Genetics Tuebingen
Classification: Likely benign. Last evaluated: 2025-03-01. Review status: criteria provided, single submitter. Criteria: CeGaT Center For Human Genetics Tuebingen Variant Classification Criteria Version 2. Collection method: clinical testing. Allele origin: germline. Affected: yes. Observed: 1 variant allele.
Comment: HSPG2: BP4, BP7

ARUP Laboratories, Molecular Genetics and Genomics, ARUP Laboratories
Classification: Likely benign. Last evaluated: 2018-10-15. Review status: criteria provided, single submitter. Criteria: ARUP Molecular Germline Variant Investigation Process. Collection method: clinical testing. Allele origin: germline.

Illumina Laboratory Services, Illumina
Classification: Uncertain significance for Schwartz-Jampel syndrome type 1. Last evaluated: 2018-01-13. Review status: criteria provided, single submitter. Criteria: ICSL Variant Classification Criteria 13 December 2019. Collection method: clinical testing. Allele origin: germline.

Illumina Laboratory Services, Illumina
Classification: Uncertain significance for Lethal Kniest-like syndrome. Last evaluated: 2018-01-13. Review status: criteria provided, single submitter. Criteria: ICSL Variant Classification Criteria 13 December 2019. Collection method: clinical testing. Allele origin: germline.

NM_005529.7(HSPG2):c.7107T>C (p.His2369=)

Gene: HSPG2 (heparan sulfate proteoglycan 2; minus strand). Cytogenetic location: 1p36.12.
Variant type: single nucleotide variant.
Coding change: c.7107T>C on transcript NM_005529.7 (MANE Select); coding-DNA position 7107, T replaced by C.
Protein change: p.His2369=; no amino-acid change (histidine 2369 retained).
Molecular consequence: synonymous variant.
Genome position (GRCh38, 1-based): chr1:21,851,597, A>G on the plus strand (T>C on the coding strand, the complement: HSPG2 is on the minus strand). VCF-style: chr1-21851597-A-G. GRCh37 (hg19) VCF-style: chr1-22178090-A-G.
Other names: c.7110T>C, p.His2370= (NM_001291860.2).
Identifiers: ClinVar variation 295799 (VCV000295799.26), dbSNP rs150126997, ClinGen allele CA671312.
Genomic context (GRCh38, chr1:21,851,597, plus strand): 5'-GTCCCATACCTGGTGCCGGACAGGGAGGCTGCCCCCACGCTTGTGCCACGTGACCTGGGC[A>G]TGGGACTGCCCGGGCACCACGCAGTTCAGATCCAGGGTCTGCCCTTCCGCCACTTGCGAG-3'
Protein context (NP_005520.4, residues 2359-2379): DLNCVVPGQS[His2369=]AQVTWHKRGG